The following is an entry in ClinVar:

ClinVar aggregate classification (germline): Uncertain significance (0 of 4 stars; one submission).

Conditions:
ISL1-related disorder. Also called: ISL1-related condition.

Submission:

PreventionGenetics, part of Exact Sciences
Classification: Uncertain significance for ISL1-related condition. Last evaluated: 2024-08-30. Review status: no assertion criteria provided. Collection method: clinical testing. Allele origin: germline.
Comment: The ISL1 c.504_533del30 variant is predicted to result in an in-frame deletion (p.Ala169_Pro178del). To our knowledge, this variant has not been reported in the literature or in a large population database, indicating this variant is rare. At this time, the clinical significance of this variant is uncertain due to the absence of conclusive functional and genetic evidence.

NM_002202.3(ISL1):c.504_533del (p.Ala169_Pro178del)

Gene: ISL1 (ISL LIM homeobox 1; plus strand). Cytogenetic location: 5q11.1.
Variant type: Deletion.
Coding change: c.504_533del on transcript NM_002202.3 (MANE Select); coding-DNA positions 504 to 533, 30 bases deleted (AGCCCTGCGGCCCCACGTCCACAAGCAGCC).
Protein change: p.Ala169_Pro178del.
Molecular consequence: inframe deletion.
Genome position (GRCh38, 1-based): chr5:51,389,671-51,389,700, AGCCCTGCGGCCCCACGTCCACAAGCAGCC deleted; deleting any 30 consecutive bases within chr5:51,389,665-51,389,700 gives the same sequence; the c. name uses the placement nearest the transcript's 3' end. VCF-style (leftmost placement, unchanged base first): chr5-51389664-GGCAGCCAGCCCTGCGGCCCCACGTCCACAA-G. GRCh37 (hg19) VCF-style: chr5-50685498-GGCAGCCAGCCCTGCGGCCCCACGTCCACAA-G.
Identifiers: ClinVar variation 3346332 (VCV003346332.1).
Genomic context (GRCh38, chr5:51,389,664, plus strand): 5'-CGAGCCTCCAGCCCAGCGCTCACGGCGCTCCTTGCCCCGCAGCGGAGCCCATCTCCGCCA[GGCAGCCAGCCCTGCGGCCCCACGTCCACAA>G]GCAGCCGGAGAAGACCACCCGCGTGCGGACTGTGCTGAACGAGAAGCAGCTGCACACCTT-3'